The following is an entry in ClinVar:

ClinVar aggregate classification (germline): Uncertain significance (1 of 4 stars; one submission).

Conditions:
Cardiovascular phenotype. Identifiers: MedGen CN230736.

Submission:

Ambry Genetics
Classification: Uncertain significance for Cardiovascular phenotype. Last evaluated: 2024-01-17. Review status: criteria provided, single submitter. Criteria: Ambry Variant Classification Scheme 2023. Collection method: clinical testing. Allele origin: germline.
Comment: The c.29714_29725del12 variant (also known as p.G9905_P9908del) is located in coding exon 118 of the TTN gene. This variant results from an in-frame GCGTGGGTCCAG deletion at nucleotide positions 29714 to 29725. This results in the in-frame deletion of four amino acids (GVGP) at codons 9905 to 9908. This amino acid region is well conserved in available vertebrate species. In addition, this alteration is predicted to be deleterious by in silico analysis (Choi Y et al. PLoS ONE. 2012; 7(10):e46688). Based on the available evidence, the clinical significance of this alteration remains unclear.

NM_001267550.2(TTN):c.56909_56920del (p.Gly18970_Pro18973del)

Genes: TTN (titin; minus strand), TTN-AS1 (TTN antisense RNA 1; plus strand). Cytogenetic location: 2q31.2.
Variant type: Deletion.
Coding change: c.56909_56920del on transcript NM_001267550.2 (MANE Select); coding-DNA positions 56909 to 56920, 12 bases deleted (GCGTGGGTCCAG).
Protein change: p.Gly18970_Pro18973del.
Molecular consequence: inframe deletion.
Genome position (GRCh38, 1-based): chr2:178,598,790-178,598,801, CTGGACCCACGC deleted on the plus strand (GCGTGGGTCCAG on the coding strand, the reverse complement: TTN is on the minus strand); deleting any 12 consecutive bases within chr2:178,598,790-178,598,802 gives the same sequence; the c. name uses the placement nearest the transcript's 3' end. VCF-style (leftmost placement, unchanged base first): chr2-178598789-GCTGGACCCACGC-G. GRCh37 (hg19) VCF-style: chr2-179463516-GCTGGACCCACGC-G.
Other names: c.51986_51997del, p.Gly17329_Pro17332del (NM_001256850.1); c.29714_29725del, p.Gly9905_Pro9908del (NM_003319.4); c.49205_49216del, p.Gly16402_Pro16405del (NM_133378.4); c.30089_30100del, p.Gly10030_Pro10033del (NM_133432.3); c.30290_30301del, p.Gly10097_Pro10100del (NM_133437.4); c.29714_29725del12 (NM_003319.4).
Identifiers: ClinVar variation 3223235 (VCV003223235.1), dbSNP rs2469862914, ClinGen allele CA2825001031.